The following is an entry in ClinVar:

NM_003000.3(SDHB):c.671A>T (p.Asp224Val)

Gene: SDHB (succinate dehydrogenase complex iron sulfur subunit B; minus strand). Cytogenetic location: 1p36.13.
Variant type: single nucleotide variant.
Coding change: c.671A>T on transcript NM_003000.3 (MANE Select); coding-DNA position 671, A replaced by T.
Protein change: p.Asp224Val; replaces aspartic acid 224 with valine.
Molecular consequence: missense variant.
Genome position (GRCh38, 1-based): chr1:17,022,702, T>A on the plus strand (A>T on the coding strand, the complement: SDHB is on the minus strand). VCF-style: chr1-17022702-T-A. GRCh37 (hg19) VCF-style: chr1-17349197-T-A.
Other names: c.617A>T, p.Asp206Val (NM_001407361.1); short protein forms D224V, D206V.
Identifiers: ClinVar variation 3316891 (VCV003316891.1).

ClinVar aggregate classification (germline): Uncertain significance (1 of 4 stars; one submission).

Conditions:
Hereditary cancer-predisposing syndrome. Also called: Neoplastic Syndromes, Hereditary; Tumor predisposition; Hereditary neoplastic syndrome; Hereditary Cancer Syndrome. Identifiers: Orphanet 140162, MedGen C0027672, MeSH D009386, MONDO:0015356.

Submission:

Ambry Genetics
Classification: Uncertain significance for Hereditary cancer-predisposing syndrome. Last evaluated: 2024-04-20. Review status: criteria provided, single submitter. Criteria: Ambry Variant Classification Scheme 2023. Collection method: clinical testing. Allele origin: germline.
Comment: The p.D224V variant (also known as c.671A>T), located in coding exon 7 of the SDHB gene, results from an A to T substitution at nucleotide position 671. The aspartic acid at codon 224 is replaced by valine, an amino acid with highly dissimilar properties. This amino acid position is highly conserved in available vertebrate species. In addition, this alteration is predicted to be deleterious by in silico analysis. Based on the available evidence, the clinical significance of this variant remains unclear.